The following is an entry in ClinVar:

ClinVar aggregate classification (germline): Pathogenic/Likely pathogenic. Review status: criteria provided, multiple submitters, no conflicts (2 of 4 stars). 3 submissions from 3 submitters: Pathogenic (1); Likely pathogenic (2). Last evaluated 2023-12-07.

Conditions:
Cardiovascular phenotype. Identifiers: MedGen CN230736.
Hereditary cancer-predisposing syndrome. Also called: Hereditary Cancer Syndrome; Hereditary neoplastic syndrome; Neoplastic Syndromes, Hereditary; Tumor predisposition. Identifiers: Orphanet 140162, MedGen C0027672, MeSH D009386, MONDO:0015356.
Neurofibromatosis, type 1 (NF1). Also called: NEUROFIBROMATOSIS, TYPE I, SOMATIC; Peripheral type neurofibromatosis; VON RECKLINGHAUSEN DISEASE; Neurofibromatosis, type I. Identifiers: Orphanet 636, MedGen C0027831, MONDO:0018975, OMIM 162200. Disease mechanism: loss of function.

Submissions (3):

Ambry Genetics
Classification: Likely pathogenic for Cardiovascular phenotype; Hereditary cancer-predisposing syndrome. Last evaluated: 2023-12-07. Review status: criteria provided, single submitter. Criteria: Ambry Variant Classification Scheme 2023. Collection method: clinical testing. Allele origin: germline.
Comment: The c.587-1G>C intronic variant results from a G to C substitution one nucleotide upstream from coding exon 6 of the NF1 gene. Alterations that disrupt the canonical splice site are expected to cause aberrant splicing, resulting in an abnormal protein or a transcript that is subject to nonsense-mediated mRNA decay. This nucleotide position is highly conserved in available vertebrate species. In silico splice site analysis predicts that this alteration will weaken the native splice acceptor site and will result in the creation or strengthening of a novel splice acceptor site. RNA studies have demonstrated that this alteration results in abnormal splicing (Ambry internal data). The resulting transcript is predicted to be in-frame and is not expected to trigger nonsense-mediated mRNAdecay. The exact functional effect of the altered amino acid sequence is unknown; however, the impacted region is critical for protein function (Ambry internal data). As such, this alteration is classified as likely pathogenic.

Labcorp Genetics (formerly Invitae), Labcorp
Classification: Pathogenic for Neurofibromatosis, type 1. Last evaluated: 2023-12-04. Review status: criteria provided, single submitter. Criteria: Invitae Variant Classification Sherloc (09022015). Collection method: clinical testing. Allele origin: germline.
Comment: This sequence change affects an acceptor splice site in intron 5 of the NF1 gene. It is expected to disrupt RNA splicing. Variants that disrupt the donor or acceptor splice site typically lead to a loss of protein function (PMID: 16199547), and loss-of-function variants in NF1 are known to be pathogenic (PMID: 10712197, 23913538). This variant is not present in population databases (gnomAD no frequency). Disruption of this splice site has been observed in individual(s) with neurofibromatosis type 1 (Invitae). Algorithms developed to predict the effect of sequence changes on RNA splicing suggest that this variant may disrupt the consensus splice site. For these reasons, this variant has been classified as Pathogenic.

Mayo Clinic Laboratories, Mayo Clinic
Classification: Likely pathogenic. Last evaluated: 2023-10-24. Review status: criteria provided, single submitter. Criteria: ACMG Guidelines, 2015. Collection method: clinical testing. Allele origin: germline. Observed: 1 variant allele.
Comment: PM2_moderate, PVS1

Literature cited by the submitters: PubMed 16199547 (cited by Labcorp Genetics (formerly Invitae), Labcorp); PubMed 10712197 (cited by Labcorp Genetics (formerly Invitae), Labcorp); PubMed 23913538 (cited by Labcorp Genetics (formerly Invitae), Labcorp).

NM_001042492.3(NF1):c.587-1G>C

Gene: NF1 (neurofibromin 1; plus strand). Cytogenetic location: 17q11.2.
Variant type: single nucleotide variant.
Coding change: c.587-1G>C on transcript NM_001042492.3 (MANE Select); the canonical splice acceptor site of the intron before coding-DNA position 587, G replaced by C.
Molecular consequence: splice acceptor variant.
Genome position (GRCh38, 1-based): chr17:31,181,421, G>C. VCF-style: chr17-31181421-G-C. GRCh37 (hg19) VCF-style: chr17-29508439-G-C.
Other names: c.587-1G>C (NM_000267.4, NM_001128147.3).
Identifiers: ClinVar variation 2811909 (VCV002811909.5), dbSNP rs2143773909, ClinGen allele CA398989175.
Genomic context (GRCh38, chr17:31,181,421, plus strand): 5'-CTGAGTTGTATTTGTGTTAACTTATTCTAGAGTTAATTTTTAAAAATTGTGTTTTTTCCA[G>C]AAACAGCATTTAAATTTAAAGCCCTAAAGAAGGTTGCGCAGTTAGCAGTTATAAATAGCC-3'